The following is an entry in ClinVar:

NM_001171.6(ABCC6):c.1202G>A (p.Arg401Lys)

Gene: ABCC6 (ATP binding cassette subfamily C member 6; minus strand). Cytogenetic location: 16p13.11.
Variant type: single nucleotide variant.
Coding change: c.1202G>A on transcript NM_001171.6 (MANE Select); coding-DNA position 1202, G replaced by A.
Protein change: p.Arg401Lys; replaces arginine 401 with lysine.
Molecular consequence: missense variant. On other transcripts: non-coding transcript variant (1).
Genome position (GRCh38, 1-based): chr16:16,198,157, C>T on the plus strand (G>A on the coding strand, the complement: ABCC6 is on the minus strand). VCF-style: chr16-16198157-C-T. GRCh37 (hg19) VCF-style: chr16-16292014-C-T.
Other names: c.860G>A, p.Arg287Lys (NM_001351800.1); short protein forms R401K, R287K.
Identifiers: ClinVar variation 2074182 (VCV002074182.4), dbSNP rs1161109629, ClinGen allele CA394890418.

ClinVar aggregate classification (germline): Uncertain significance (1 of 4 stars; one submission).

Allele frequency attached by ClinVar (database versions not stated): gnomAD exomes below 0.00001.
gnomAD v4.1: 3 of 1,605,686 alleles (0.00019%); highest among the groups gnomAD compares: Non-Finnish European, 0.000085%; no homozygotes.

Submission:

Labcorp Genetics (formerly Invitae), Labcorp
Classification: Uncertain significance. Last evaluated: 2024-07-17. Review status: criteria provided, single submitter. Criteria: Invitae Variant Classification Sherloc (09022015). Collection method: clinical testing. Allele origin: germline.
Comment: This sequence change replaces arginine, which is basic and polar, with lysine, which is basic and polar, at codon 401 of the ABCC6 protein (p.Arg401Lys). The frequency data for this variant in the population databases is considered unreliable, as metrics indicate poor data quality at this position in the gnomAD database. This variant has not been reported in the literature in individuals affected with ABCC6-related conditions. ClinVar contains an entry for this variant (Variation ID: 2074182). Advanced modeling of protein sequence and biophysical properties (such as structural, functional, and spatial information, amino acid conservation, physicochemical variation, residue mobility, and thermodynamic stability) performed at Invitae indicates that this missense variant is not expected to disrupt ABCC6 protein function with a negative predictive value of 95%. In summary, the available evidence is currently insufficient to determine the role of this variant in disease. Therefore, it has been classified as a Variant of Uncertain Significance.